The following is an entry in ClinVar:

NM_001317778.2(SFTPC):c.288C>T (p.Ile96=)

Gene: SFTPC (surfactant protein C; plus strand). Cytogenetic location: 8p21.3.
Variant type: single nucleotide variant.
Coding change: c.288C>T on transcript NM_001317778.2 (MANE Select); coding-DNA position 288, C replaced by T.
Protein change: p.Ile96=; no amino-acid change (isoleucine 96 retained).
Molecular consequence: synonymous variant.
Genome position (GRCh38, 1-based): chr8:22,163,166, C>T. VCF-style: chr8-22163166-C-T. GRCh37 (hg19) VCF-style: chr8-22020679-C-T.
Other names: c.288C>T, p.Ile96= (NM_001172357.2, NM_001172410.2, NM_001317780.2 and 1 more transcripts); c.129C>T, p.Ile43= (NM_001317779.2).
Identifiers: ClinVar variation 362557 (VCV000362557.42), dbSNP rs79866047, ClinGen allele CA4663953.
Genomic context (GRCh38, chr8:22,163,166, plus strand): 5'-GGAAGCCCAGCAACGCCTGGCCCTGAGTGAGCACCTGGTTACCACTGCCACCTTCTCCAT[C>T]GGCTCCACTGGCCTCGTGGTGTATGACTACCAGCAGGTGGGTATGCCCAGACCTCCTGAC-3'
Protein context (NP_001304707.1, residues 86-106): EHLVTTATFS[Ile96=]GSTGLVVYDY

ClinVar aggregate classification (germline): Benign/Likely benign. Review status: criteria provided, multiple submitters, no conflicts (2 of 4 stars). 7 submissions from 7 submitters: Benign (2); Likely benign (4). 1 of the submissions does not count toward it. Last evaluated 2025-08-23.

Conditions:
SFTPC-related disorder. Also called: SFTPC-related condition.
Surfactant metabolism dysfunction, pulmonary, 2 (SMDP2). Also called: DESQUAMATIVE INTERSTITIAL PNEUMONITIS DUE TO SURFACTANT PROTEIN C DEFICIENCY; INTERSTITIAL LUNG DISEASE DUE TO SURFACTANT PROTEIN C DEFICIENCY; PULMONARY ALVEOLAR PROTEINOSIS, CONGENITAL, 2. Identifiers: Orphanet 440392, MedGen C1970470, MONDO:0024465, OMIM 610913.

Allele frequency attached by ClinVar (database versions not stated): TOPMed 0.00184; ExAC 0.00351; 1000 Genomes Project 0.00260; gnomAD 0.00289 and 0.00294; 1000 Genomes Project 30x 0.00219; gnomAD exomes 0.00329; ESP Exome Variant Server 0.00252.
gnomAD v4.1: 5,121 of 1,614,204 alleles (0.32%); highest among the groups gnomAD compares: Non-Finnish European, 0.33%; 16 homozygotes.

Submissions (7):

Labcorp Genetics (formerly Invitae), Labcorp
Classification: Benign. Last evaluated: 2025-08-23. Review status: criteria provided, single submitter. Criteria: Invitae Variant Classification Sherloc (09022015). Collection method: clinical testing. Allele origin: germline.

Blueprint Genetics
Classification: Likely benign. Last evaluated: 2024-11-27. Review status: criteria provided, single submitter. Criteria: ACMG Guidelines, 2015. Collection method: clinical testing. Allele origin: germline.

CeGaT Center for Human Genetics Tuebingen
Classification: Likely benign. Last evaluated: 2024-09-01. Review status: criteria provided, single submitter. Criteria: CeGaT Center For Human Genetics Tuebingen Variant Classification Criteria Version 2. Collection method: clinical testing. Allele origin: germline. Affected: yes. Observed: 4 variant alleles.
Comment: SFTPC: BP4, BP7

GeneDx
Classification: Likely benign. Last evaluated: 2019-10-05. Review status: criteria provided, single submitter. Criteria: GeneDx Variant Classification Process June 2021. Collection method: clinical testing. Allele origin: germline. Affected: yes.

Illumina Laboratory Services, Illumina
Classification: Benign for Surfactant metabolism dysfunction, pulmonary, 2. Last evaluated: 2018-01-12. Review status: criteria provided, single submitter. Criteria: ICSL Variant Classification Criteria 13 December 2019. Collection method: clinical testing. Allele origin: germline.
Comment: This variant was observed in the ICSL laboratory as part of a predisposition screen in an ostensibly healthy population. It had not been previously curated by ICSL or reported in the Human Gene Mutation Database (HGMD: prior to June 1st, 2018), and was therefore a candidate for classification through an automated scoring system. Utilizing variant allele frequency, disease prevalence and penetrance estimates, and inheritance mode, an automated score was calculated to assess if this variant is too frequent to cause the disease. Based on the score and internal cut-off values, a variant classified as benign is not then subjected to further curation. The score for this variant resulted in a classification of benign for this disease.

Breakthrough Genomics
Classification: Likely benign. Review status: criteria provided, single submitter. Criteria: ACMG Guidelines, 2015. Collection method: not provided. Allele origin: germline. Inheritance: Autosomal dominant inheritance. Affected: yes.

PreventionGenetics, part of Exact Sciences
Classification: Likely benign for SFTPC-related condition. Last evaluated: 2019-03-25. Review status: no assertion criteria provided. Collection method: clinical testing. Allele origin: germline. Not counted in ClinVar's aggregate classification.
Comment: This variant is classified as likely benign based on ACMG/AMP sequence variant interpretation guidelines (Richards et al. 2015 PMID: 25741868, with internal and published modifications).